The following is an entry in ClinVar:

ClinVar aggregate classification (germline): Uncertain significance (1 of 4 stars; one submission).

Conditions:
Kabuki syndrome. Also called: NIIKAWA-KUROKI SYNDROME; Kabuki make-up syndrome. Identifiers: Orphanet 2322, MedGen C0796004, MONDO:0016512.

gnomAD v4.1: 4 of 1,613,988 alleles (0.00025%); highest among the groups gnomAD compares: South Asian, 0.0011%; no homozygotes.

Submission:

Labcorp Genetics (formerly Invitae), Labcorp
Classification: Uncertain significance for Kabuki syndrome. Last evaluated: 2024-07-31. Review status: criteria provided, single submitter. Criteria: Invitae Variant Classification Sherloc (09022015). Collection method: clinical testing. Allele origin: germline.
Comment: This sequence change replaces arginine, which is basic and polar, with glutamine, which is neutral and polar, at codon 5174 of the KMT2D protein (p.Arg5174Gln). This variant is not present in population databases (gnomAD no frequency). This variant has not been reported in the literature in individuals affected with KMT2D-related conditions. Advanced modeling of protein sequence and biophysical properties (such as structural, functional, and spatial information, amino acid conservation, physicochemical variation, residue mobility, and thermodynamic stability) performed at Invitae indicates that this missense variant is not expected to disrupt KMT2D protein function with a negative predictive value of 95%. In summary, the available evidence is currently insufficient to determine the role of this variant in disease. Therefore, it has been classified as a Variant of Uncertain Significance.

NM_003482.4(KMT2D):c.15521G>A (p.Arg5174Gln)

Gene: KMT2D (lysine methyltransferase 2D; minus strand). Cytogenetic location: 12q13.12.
Variant type: single nucleotide variant.
Coding change: c.15521G>A on transcript NM_003482.4 (MANE Select); coding-DNA position 15521, G replaced by A.
Protein change: p.Arg5174Gln; replaces arginine 5174 with glutamine.
Molecular consequence: missense variant.
Genome position (GRCh38, 1-based): chr12:49,026,445, C>T on the plus strand (G>A on the coding strand, the complement: KMT2D is on the minus strand). VCF-style: chr12-49026445-C-T. GRCh37 (hg19) VCF-style: chr12-49420228-C-T.
Other names: short protein forms R5174Q.
Identifiers: ClinVar variation 3604319 (VCV003604319.2).